The following is an entry in ClinVar:

ClinVar aggregate classification (germline): Likely pathogenic. Review status: criteria provided, multiple submitters, no conflicts (2 of 4 stars). 2 submissions from 2 submitters: Likely pathogenic (2). Last evaluated 2025-10-01.

Conditions:
Torsion dystonia 6 (DYT6). Also called: DYT-THAP1. Identifiers: Orphanet 98806, MedGen C1414216, MONDO:0011264, OMIM 602629.

Submissions (2):

CeGaT Center for Human Genetics Tuebingen
Classification: Likely pathogenic. Last evaluated: 2025-10-01. Review status: criteria provided, single submitter. Criteria: CeGaT Center For Human Genetics Tuebingen Variant Classification Criteria Version 2. Collection method: clinical testing. Allele origin: germline. Affected: yes. Observed: 1 variant allele.
Comment: THAP1: PM1, PM2, PM5

Rady Children's Institute for Genomic Medicine, Rady Children's Hospital San Diego
Classification: Likely pathogenic for DYSTONIA 6, TORSION. Last evaluated: 2018-10-16. Review status: criteria provided, single submitter. Criteria: ACMG Guidelines, 2015. Collection method: clinical testing. Allele origin: germline. Affected: yes. Observed: 1 variant allele.
Comment: This variant has not been previously reported or functionally characterized in the literature to our knowledge. However, a different missense variant involving the same amino acid position (p.Gly9Cys) has been reported as a heterozygous change in a patient with limb, cervical, and masticatory dystonia (PMID: 20083799). Additionally, functional studies suggest that the p.Gly9Cys variant results in a reduction in the DNA-binding affinity of the THAP1-encoded protein (PMID: 22844099). The c.25G>A (p.Gly9Ser) variant detected in this individual is absent from the ExAC and gnomAD population databases and thus is presumed to be rare. Based on the available evidence, the c.25G>A (p.Gly9Ser) variant is classified as likely pathogenic.

NM_018105.3(THAP1):c.25G>A (p.Gly9Ser)

Gene: THAP1 (THAP domain containing 1; minus strand). Cytogenetic location: 8p11.21.
Variant type: single nucleotide variant.
Coding change: c.25G>A on transcript NM_018105.3 (MANE Select); coding-DNA position 25, G replaced by A.
Protein change: p.Gly9Ser; replaces glycine 9 with serine.
Molecular consequence: missense variant.
Genome position (GRCh38, 1-based): chr8:42,843,070, C>T on the plus strand (G>A on the coding strand, the complement: THAP1 is on the minus strand). VCF-style: chr8-42843070-C-T. GRCh37 (hg19) VCF-style: chr8-42698213-C-T.
Other names: c.25G>A, p.Gly9Ser (NM_199003.2); short protein forms G9S.
Identifiers: ClinVar variation 692056 (VCV000692056.7), dbSNP rs267607112, ClinGen allele CA371109523.